The following is an entry in ClinVar:

ClinVar aggregate classification (germline): Uncertain significance (1 of 4 stars; one submission).

Submission:

GeneDx
Classification: Uncertain significance. Last evaluated: 2024-03-06. Review status: criteria provided, single submitter. Criteria: GeneDx Variant Classification Process June 2021. Collection method: clinical testing. Allele origin: germline. Affected: yes.
Comment: In-frame deletion of 2 amino acids in a non-repeat region; Not observed at significant frequency in large population cohorts (gnomAD); In silico analysis supports a deleterious effect on protein structure/function; Has not been previously published as pathogenic or benign to our knowledge

NM_032119.4(ADGRV1):c.3454_3459del (p.1150VS[1])

Gene: ADGRV1 (adhesion G protein-coupled receptor V1; plus strand). Cytogenetic location: 5q14.3.
Variant type: Deletion.
Coding change: c.3454_3459del on transcript NM_032119.4 (MANE Select); coding-DNA positions 3454 to 3459, 6 bases deleted (GTATCT; older notation c.3454_3459delGTATCT).
Protein change: p.1150VS[1].
Molecular consequence: inframe deletion. On other transcripts: non-coding transcript variant (1).
Genome position (GRCh38, 1-based): chr5:90,652,383-90,652,388, GTATCT deleted; deleting any 6 consecutive bases within chr5:90,652,380-90,652,388 gives the same sequence; the c. name uses the placement nearest the transcript's 3' end. VCF-style (leftmost placement, unchanged base first): chr5-90652379-TTCTGTA-T. GRCh37 (hg19) VCF-style: chr5-89948196-TTCTGTA-T.
Identifiers: ClinVar variation 3369819 (VCV003369819.1).